The following is an entry in ClinVar:

NM_000132.4(F8):c.1649G>A (p.Arg550His)

Gene: F8 (coagulation factor VIII; minus strand). Cytogenetic location: Xq28.
Variant type: single nucleotide variant.
Coding change: c.1649G>A on transcript NM_000132.4 (MANE Select); coding-DNA position 1649, G replaced by A.
Protein change: p.Arg550His; replaces arginine 550 with histidine.
Molecular consequence: missense variant.
Genome position (GRCh38, 1-based): chrX:154,957,060, C>T on the plus strand (G>A on the coding strand, the complement: F8 is on the minus strand). VCF-style: chrX-154957060-C-T. GRCh37 (hg19) VCF-style: chrX-154185335-C-T.
Other names: F8, ARG531HIS; R531H; NM_000132.4(F8):c.1649G>A; short protein forms R550H.
Identifiers: ClinVar variation 10225 (VCV000010225.22), dbSNP rs137852418, ClinGen allele CA255115.

ClinVar aggregate classification (germline): Pathogenic. Review status: reviewed by expert panel (3 of 4 stars). 10 submissions from 10 submitters: Pathogenic (1). 9 of the submissions do not count toward it. Last evaluated 2024-02-02.

Conditions:
Hereditary factor VIII deficiency disease (HEMA). Also called: AUTOSOMAL HEMOPHILIA A; Hemophilia A, congenital; HEM A; Factor 8 deficiency, congenital; HEMOPHILIA, CLASSIC; Hemophilia A. Identifiers: Orphanet 98878, MedGen C0019069, MONDO:0010602, OMIM 306700.
Thrombophilia, X-linked, due to factor 8 defect. Also called: Thrombophilia 13, X-linked, due to factor VIII defect; THROMBOPHILIA, X-LINKED, DUE TO FACTOR VIII DEFECT. Identifiers: MedGen C5676879, MONDO:0859082, OMIM 301071.
Factor VIII deficiency. Identifiers: MedGen C3494187, OMIM 134500.

Allele frequency attached by ClinVar (database versions not stated): gnomAD exomes below 0.00001 and 0.00001; ExAC 0.00001.
gnomAD v4.1: 2 of 1,208,700 alleles (0.00017%); highest among the groups gnomAD compares: Non-Finnish European, 0.00022%; no homozygotes.

Submissions (10):

ClinGen Coagulation Factor Deficiency Variant Curation Expert Panel, Clingen
Classification: Pathogenic for Hereditary factor VIII deficiency disease. Last evaluated: 2024-02-02. Review status: reviewed by expert panel. Criteria: ClinGen CoagFactor ACMG Specifications F8 V1.0.0. Collection method: curation. Allele origin: germline. Inheritance: X-linked inheritance.
Comment: The c.1649G>A (p.Arg550His) variant is absent from males in gnomAD v2.1.1. It is reported in heterozygotes at a frequency of 0.00002442 (2/81904 alleles) in the non-Finnish European population. At least 35 male individuals with mild hemophilia A are found in the literature and internal laboratory data with the Arg550His variant. More cases are available in the literature (EAHAD reports 64 patients), however >8 probands have been counted towards PS4_VeryStrong and one for PP4_moderate. This variant is associated with discrepant factor VIII activity levels with some individuals having normal levels on one-stage assays and levels in the mild hemophilia range on a chromogenic, or two-stage, assay (CDC Champs/EAHAD databases). Some individuals have been reported to have a history of inhibitor formation to factor replacement products (CDC Champs/EAHAD databases). The c.1649G>A (p.Arg550His) missense variant has a REVEL score of 0.78 (>0.6). Other variants at the same residue, Arg550Cys, Arg550Gly, Arg550Leu and Arg550Pro have been reported, but evidence from these variant curations has not been used in classifying the Arg550His variant. In summary, this variant meets criteria to be classified as pathogenic. ACMG/AMP criteria applied, as specified by the Coagulation Factor Deficiency Variant Curation Expert Panel for F8: PS4_VeryStrong, PP3, PM2_Supporting.

North West Genomic Laboratory Hub, Manchester University NHS Foundation Trust
Classification: Pathogenic for Factor VIII deficiency. Last evaluated: 2025-11-17. Review status: criteria provided, single submitter. Criteria: ACGS Best Practice Guidelines for Variant Classification in Rare Disease 2020. Collection method: clinical testing. Allele origin: germline. Affected: yes. Not counted in ClinVar's aggregate classification.
Comment: PP4_Mod PS4_Str PM5_Str PP3_Supp

ARUP Laboratories, Molecular Genetics and Genomics, ARUP Laboratories
Classification: Pathogenic. Last evaluated: 2025-03-21. Review status: criteria provided, single submitter. Criteria: ARUP Molecular Germline Variant Investigation Process 2024. Collection method: clinical testing. Allele origin: germline. Not counted in ClinVar's aggregate classification.
Comment: The F8 c.1649G>A; p.Arg550His variant, also known as p.Arg531His, is reported in the literature in multiple individuals affected with mild hemophilia A (Markoff 2009, Schwaab 1995, Winter 2008, Factor VIII database and references therein). This variant is reported in ClinVar (Variation ID: 10225), and is only observed on two alleles in the Genome Aggregation Database, indicating it is not a common polymorphism. Additionally, other amino acid substitutions at this codon (Cys, Gly, Leu, Pro) have been reported in individuals with mild to moderate hemophilia A and are considered pathogenic (Factor VIII database and references therein). Functional characterization of the p.Arg550His variant protein indicates an increase in dissociation from the thrombin-activated heterodimer (Pipe 2001). Computational analyses predict that this variant is deleterious (REVEL: 0.738). Based on available information, the p.Arg550His variant is considered to be mildly pathogenic. References: Link to Factor VIII database: Markoff A et al. Combined homology modelling and evolutionary significance evaluation of missense mutations in blood clotting factor VIII to highlight aspects of structure and function. Haemophilia. 2009 15(4):932-41. PMID: 19473423. Pipe S et al. Hemophilia A mutations associated with 1-stage/2-stage activity discrepancy disrupt protein-protein interactions within the triplicated A domains of thrombin-activated factor VIIIa. Blood. 2001 97(3):685-91. PMID: 11157485. Schwaab R et al. Characterization of mutations within the factor VIII gene of 73 unrelated mild and moderate haemophiliacs. Br J Haematol. 1995 91(2):458-64. PMID: 8547094. Winter P et al. A recurrent F8 mutation in Irish haemophilia A patients: evidence for a founder effect. Haemophilia. 2008 14(2):394-5. PMID: 18179574.

GeneDx
Classification: Likely pathogenic. Last evaluated: 2025-01-17. Review status: criteria provided, single submitter. Criteria: GeneDx Variant Classification Process June 2021. Collection method: clinical testing. Allele origin: germline. Affected: yes. Not counted in ClinVar's aggregate classification.
Comment: Reported in the hemizygous and heterozygous state in the published literature in patients with mild hemophilia (PMID: 8547094, 21883705, 18371163); Not observed at significant frequency in large population cohorts (gnomAD); In silico analysis supports that this missense variant has a deleterious effect on protein structure/function; Published functional studies demonstrate a damaging effect on protein function (PMID: 11157485, 21166991); This variant is associated with the following publications: (PMID: 19473423, 18179574, 18691168, 20860169, 20829681, 20510102, 19923982, 8759905, 38196513, 17083519, 20614574, 9326186, 16769589, 29296726, 18387975, 9886318, 9864159, 9029040, 16972227, 21166991, 16128904, 11157485, 21883705, 18371163, 8547094, 24992242, 17222201)

Dasa
Classification: Likely pathogenic. Last evaluated: 2024-12-13. Review status: criteria provided, single submitter. Criteria: DASA Assertion Criteria. Collection method: clinical testing. Allele origin: germline. Not counted in ClinVar's aggregate classification.
Comment: NM_000132.4(F8):c.1649G>A (p.Arg550His) is a missense variant that results in the substitution of arginine with histidine. The affected residue or protein region has prior evidence supporting clinical relevance. This variant has been reported in individuals with F8-related disorders (PMID: 18371163). Also, this variant is rare in population databases. Computational evidence supports a deleterious effect. Based on the currently available evidence, this variant is classified as likely pathogenic.

Mayo Clinic Laboratories, Mayo Clinic
Classification: Pathogenic. Last evaluated: 2024-11-12. Review status: criteria provided, single submitter. Criteria: ACMG Guidelines, 2015. Collection method: clinical testing. Allele origin: germline. Observed: 2 variant alleles. Not counted in ClinVar's aggregate classification.

Fulgent Genetics
Classification: Pathogenic for Thrombophilia, X-linked, due to factor 8 defect; Hereditary factor VIII deficiency disease. Last evaluated: 2024-04-30. Review status: criteria provided, single submitter. Criteria: ACMG Guidelines, 2015. Collection method: clinical testing. Allele origin: germline. Not counted in ClinVar's aggregate classification.

Women's Health and Genetics/Laboratory Corporation of America, LabCorp
Classification: Pathogenic for Hereditary factor VIII deficiency disease. Last evaluated: 2024-04-30. Review status: criteria provided, single submitter. Criteria: LabCorp Variant Classification Summary - May 2015. Collection method: clinical testing. Allele origin: germline. Not counted in ClinVar's aggregate classification.
Comment: Variant summary: F8 c.1649G>A (p.Arg550His) results in a non-conservative amino acid change located in the Multicopper oxidase-like, N-terminal domain (IPR011707) of the encoded protein sequence. Four of five in-silico tools predict a damaging effect of the variant on protein function. The variant allele was found at a frequency of 1.1e-05 in 183443 control chromosomes (gnomAD). c.1649G>A has been reported in the literature in multiple individuals affected with Factor VIII Deficiency (Hemophilia A; e.g. Gilmore_2010). These data indicate that the variant is very likely to be associated with disease. At least one publication reports experimental evidence evaluating an impact on protein function, finding that the variant results in substantially reduced F8 activity (Pipe_2001). The following publications have been ascertained in the context of this evaluation (PMID: 20148980, 11157485). ClinVar contains an entry for this variant (Variation ID: 10225). Based on the evidence outlined above, the variant was classified as pathogenic.

Genetics and Molecular Pathology, SA Pathology
Classification: Pathogenic for Hereditary factor VIII deficiency disease. Last evaluated: 2021-03-05. Review status: criteria provided, single submitter. Criteria: ACMG Guidelines, 2015. Collection method: clinical testing. Allele origin: germline. Inheritance: X-linked recessive inheritance. Affected: yes. Not counted in ClinVar's aggregate classification.

OMIM
Classification: Pathogenic for HEMOPHILIA A. Last evaluated: 1995-01-01. Review status: no assertion criteria provided. Collection method: literature only. Allele origin: germline. Not counted in ClinVar's aggregate classification.

Literature cited by the submitters: PubMed 18371163 (cited by Dasa); PubMed 11157485 (cited by Mayo Clinic Laboratories, Mayo Clinic and Women's Health and Genetics/Laboratory Corporation of America, LabCorp); PubMed 24452774 (cited by Mayo Clinic Laboratories, Mayo Clinic); PubMed 32166871 (cited by Mayo Clinic Laboratories, Mayo Clinic); PubMed 32232366 (cited by Mayo Clinic Laboratories, Mayo Clinic); PubMed 36696222 (cited by Mayo Clinic Laboratories, Mayo Clinic); PubMed 7986726 (cited by Mayo Clinic Laboratories, Mayo Clinic); PubMed 8759905 (cited by Mayo Clinic Laboratories, Mayo Clinic); PubMed 9864159 (cited by Mayo Clinic Laboratories, Mayo Clinic); PubMed 20148980 (cited by Women's Health and Genetics/Laboratory Corporation of America, LabCorp); PubMed 7728145 (cited by OMIM).